The following is an entry in ClinVar:

ClinVar aggregate classification (germline): Likely benign (0 of 4 stars; one submission).

Conditions:
COLEC11-related disorder. Also called: COLEC11-related condition.

Allele frequency attached by ClinVar (database versions not stated): gnomAD 0.00010; 1000 Genomes Project 30x 0.00016.
gnomAD v4.1: 190 of 1,551,046 alleles (0.012%); highest among the groups gnomAD compares: Non-Finnish European, 0.016%; no homozygotes.

Submission:

PreventionGenetics, part of Exact Sciences
Classification: Likely benign for COLEC11-related condition. Last evaluated: 2019-03-20. Review status: no assertion criteria provided. Collection method: clinical testing. Allele origin: germline.
Comment: This variant is classified as likely benign based on ACMG/AMP sequence variant interpretation guidelines (Richards et al. 2015 PMID: 25741868, with internal and published modifications).

NM_024027.5(COLEC11):c.-26-646C>T

Gene: COLEC11 (collectin subfamily member 11; plus strand). Cytogenetic location: 2p25.3.
Variant type: single nucleotide variant.
Coding change: c.-26-646C>T on transcript NM_024027.5 (MANE Select); 646 bases into the intron before 26 bases upstream of the start codon, C replaced by T.
Molecular consequence: intron variant.
Genome position (GRCh38, 1-based): chr2:3,603,669, C>T. VCF-style: chr2-3603669-C-T. GRCh37 (hg19) VCF-style: chr2-3651259-C-T.
Other names: c.-114-646C>T (NM_199235.3); c.-26-646C>T (NM_001255983.2, NM_001255982.2, NM_001255984.2); c.16+8C>T (NM_001255985.1).
Identifiers: ClinVar variation 3057546 (VCV003057546.2), dbSNP rs899568387, ClinGen allele CA41520655.